The following is an entry in ClinVar:

NM_020366.4(RPGRIP1):c.2890del (p.Ser964fs)

Gene: RPGRIP1 (RPGR interacting protein 1; plus strand). Cytogenetic location: 14q11.2.
Variant type: Deletion.
Coding change: c.2890del on transcript NM_020366.4 (MANE Select); coding-DNA position 2890, one base deleted (T; older notation c.2890delT).
Protein change: p.Ser964fs; shifts the reading frame from serine 964.
Molecular consequence: frameshift variant.
Genome position (GRCh38, 1-based): chr14:21,327,802, T deleted; the last of 2 consecutive T bases (chr14:21,327,801-21,327,802); deleting either gives the same sequence. VCF-style (leftmost placement, unchanged base first): chr14-21327800-CT-C. GRCh37 (hg19) VCF-style: chr14-21795959-CT-C.
Other names: c.868del, p.Ser290fs (NM_001377523.1, NM_001377950.1); c.1816del, p.Ser606fs (NM_001377948.1); c.976del, p.Ser326fs (NM_001377949.1); c.370del, p.Ser124fs (NM_001377951.1); c.2889del (NM_020366.3); c.2890delT (NM_020366.3); short protein forms S964fs, S124fs, S290fs, S326fs, S606fs.
Identifiers: ClinVar variation 438162 (VCV000438162.4), dbSNP rs1555302710, ClinGen allele CA645509360.

ClinVar aggregate classification (germline): Pathogenic. Review status: criteria provided, single submitter (1 of 4 stars). 3 submissions from 3 submitters: Pathogenic (1). 2 of the submissions do not count toward it. Last evaluated 2024-10-01.

Conditions:
Retinitis pigmentosa (RP). Identifiers: Orphanet 791, MedGen C0035334, MeSH D012174, MONDO:0019200, OMIM 268000. Inheritance: Autosomal dominant, autosomal recessive and X linked inheritance.
Leber congenital amaurosis (LCA). Also called: Leber's amaurosis. Identifiers: Orphanet 65, MedGen C0339527, MeSH D057130, MONDO:0018998.
Leber congenital amaurosis 6 (LCA6). Identifiers: Orphanet 65, MedGen C1854260, MONDO:0013446, OMIM 613826.

Submissions (3):

Lab De Baere, Eye and Developmental Genetics Lab, Ghent University
Classification: Pathogenic for Leber congenital amaurosis. Last evaluated: 2024-10-01. Review status: criteria provided, single submitter. Criteria: ACMG Guidelines, 2015. Collection method: research. Allele origin: inherited. Affected: yes. Observed: 1 variant allele.
Comment: ACMG/AMP guidelines: PM2, PP5, PVS1, PP1, PM3_2

NIHR Bioresource Rare Diseases, University of Cambridge
Classification: Likely pathogenic for Retinitis pigmentosa. Last evaluated: 2015-01-01. Review status: no assertion criteria provided. Collection method: research. Allele origin: unknown. Affected: yes. Observed: 1 variant allele. Not counted in ClinVar's aggregate classification.

Laboratory of Genetics in Ophthalmology, Institut Imagine
Classification: Pathogenic for Leber congenital amaurosis 6. Review status: no assertion criteria provided. Collection method: research. Allele origin: inherited. Affected: yes. Observed: 1 variant allele. Not counted in ClinVar's aggregate classification.

Literature cited by the submitters: PubMed 28041643 (cited by NIHR Bioresource Rare Diseases, University of Cambridge).